The following is an entry in ClinVar:

ClinVar aggregate classification (germline): Conflicting classifications of pathogenicity. Review status: criteria provided, conflicting classifications (1 of 4 stars). 11 submissions from 9 submitters: Pathogenic (2); Likely pathogenic (5); Uncertain significance (3). 1 of the submissions does not count toward it. Last evaluated 2026-08-01.

Conditions:
CHRNE-related disorder. Also called: CHRNE-related condition.
Congenital myasthenic syndrome 4B. Also called: Myasthenic syndrome, congenital, 4b, fast-channel. Identifiers: Orphanet 590, MedGen C4225369, MONDO:0014586, OMIM 616324.
Congenital myasthenic syndrome (CMS). Also called: Congenital Myasthenic Syndromes. Identifiers: Orphanet 590, MedGen C0751882, MeSH D020294, MONDO:0018940.
Congenital myasthenic syndrome 4A. Also called: CONGENITAL MYASTHENIC SYNDROME TYPE Ia1; MYASTHENIC SYNDROME, CONGENITAL, 4A, SLOW-CHANNEL, AUTOSOMAL RECESSIVE; Myasthenic syndrome, congenital, 4a, slow-channel. Identifiers: Orphanet 590, MedGen C4225413, MONDO:0011600, OMIM 605809.
Congenital myasthenic syndrome 4C (CMS4C). Also called: Myasthenic syndrome, congenital, associated with acetylcholine receptor deficiency. Identifiers: Orphanet 590, MedGen C1837091, MONDO:0012157, OMIM 608931.

Allele frequency attached by ClinVar (database versions not stated): gnomAD 0.00002 and 0.00001; ESP Exome Variant Server 0.00008; gnomAD exomes 0.00003; TOPMed 0.00002; ExAC 0.00003.
gnomAD v4.1: 49 of 1,613,904 alleles (0.003%); highest among the groups gnomAD compares: Middle Eastern, 0.016%; no homozygotes.

Submissions (11):

GeneDx
Classification: Pathogenic. Last evaluated: 2026-08-01. Review status: criteria provided, single submitter. Criteria: GeneDx Variant Classification Process June 2021. Collection method: clinical testing. Allele origin: germline.
Comment: Published functional studies demonstrate a damaging effect on acetylcholine receptor function (PMID: 8755487); In silico analysis suggests that this missense variant does not alter protein structure/function; This variant is associated with the following publications: (PMID: 34426522, 8755487, 36891870)

Department of Molecular Genetics, Istishari Arab Hospital
Classification: Pathogenic for Congenital myasthenic syndrome 4C. Last evaluated: 2026-04-05. Review status: criteria provided, single submitter. Criteria: ACMG Guidelines, 2015. Collection method: clinical testing. Allele origin: germline. Inheritance: Autosomal recessive inheritance. Affected: yes.
Comment: The CHRNE variant c.37G>A, p.Gly13Arg causes an amino acid change from Gly to Arg at position 13. The variant is observed in the gnomAD v4.1.0 dataset (total allele frequency: 0.003%). This variant was previously reported in patients with CHRNE-related disorders (PMID: 34426522, 8755487, 36891870). It is classified as likely pathogenic according to the recommendations of ACMG/AMP/ClinGen SVI guidelines.

Natera, Inc.
Classification: Likely pathogenic for Congenital myasthenic syndrome. Last evaluated: 2025-12-17. Review status: criteria provided, single submitter. Criteria: Natera Variant Classification Schema (03/2026). Collection method: clinical testing. Allele origin: germline.
Comment: The c.37G>A variant in CHRNE is a missense variant predicted to cause substitution of glycine to arginine at amino acid 13. This variant is rare in the general population with a frequency below the threshold expected for the associated phenotype(s). This variant has been observed in one or more individuals affected with the associated recessive disease, as either homozygous or compound heterozygous with a second variant (PMID: 8755487, 36891870). Functional studies show that this variant may disrupt protein function (PMID: 8755487). Multiple computational prediction algorithms suggest this variant is unlikely to affect gene or protein function. Given the available evidence, this variant is classified as Likely Pathogenic.

Labcorp Genetics (formerly Invitae), Labcorp
Classification: Uncertain significance for Congenital myasthenic syndrome 4A. Last evaluated: 2024-12-18. Review status: criteria provided, single submitter. Criteria: Invitae Variant Classification Sherloc (09022015). Collection method: clinical testing. Allele origin: germline.
Comment: This sequence change replaces glycine, which is neutral and non-polar, with arginine, which is basic and polar, at codon 13 of the CHRNE protein (p.Gly13Arg). This variant is present in population databases (rs372635387, gnomAD 0.006%). This missense change has been observed in individual(s) with clinical symptoms of autosomal recessive congenital myasthenic syndrome (PMID: 8755487). ClinVar contains an entry for this variant (Variation ID: 18359). Invitae Evidence Modeling of protein sequence and biophysical properties (such as structural, functional, and spatial information, amino acid conservation, physicochemical variation, residue mobility, and thermodynamic stability) indicates that this missense variant is not expected to disrupt CHRNE protein function with a negative predictive value of 95%. Experimental studies have shown that this missense change affects CHRNE function (PMID: 8755487). In summary, the available evidence is currently insufficient to determine the role of this variant in disease. Therefore, it has been classified as a Variant of Uncertain Significance.

Blueprint Genetics
Classification: Likely pathogenic for CHRNE-related disorders. Last evaluated: 2024-07-29. Review status: criteria provided, single submitter. Criteria: ACMG Guidelines, 2015. Collection method: clinical testing. Allele origin: germline. Affected: yes. Observed: 4 variant alleles.

Baylor Genetics
Classification: Likely pathogenic for Congenital myasthenic syndrome 4A. Last evaluated: 2024-03-09. Review status: criteria provided, single submitter. Criteria: ACMG Guidelines, 2015. Collection method: clinical testing. Allele origin: unknown.

Women's Health and Genetics/Laboratory Corporation of America, LabCorp
Classification: Uncertain significance. Last evaluated: 2023-12-19. Review status: criteria provided, single submitter. Criteria: LabCorp Variant Classification Summary - May 2015. Collection method: clinical testing. Allele origin: germline.
Comment: Variant summary: CHRNE c.37G>A (p.Gly13Arg) results in a non-conservative amino acid change in the encoded protein sequence. Four of five in-silico tools predict a benign effect of the variant on protein function. The variant allele was found at a frequency of 2.8e-05 in 251396 control chromosomes. c.37G>A has been reported in the literature in trans along a pathogenic missense in at-least one individual affected with Congenital Myasthenic Syndrome (example, Ohno_1996) . These data do not allow any conclusion about variant significance. At least one publication reports experimental evidence evaluating an impact on protein function. The most pronounced variant effect results in about 40% of normal protein expression when co-expressed with other subunites of acetylcholine receptor in HEK 293 cells (Ohno_1996). The following publication have been ascertained in the context of this evaluation (PMID: 8755487). Four submitters have cited clinical-significance assessments for this variant to ClinVar after 2014 (VUS, n=3; Likely pathogenic, n=1). Based on the evidence outlined above, the variant was classified as VUS-possibly pathogenic.

CeGaT Center for Human Genetics Tuebingen
Classification: Uncertain significance. Last evaluated: 2023-01-01. Review status: criteria provided, single submitter. Criteria: CeGaT Center For Human Genetics Tuebingen Variant Classification Criteria Version 2. Collection method: clinical testing. Allele origin: germline. Affected: yes. Observed: 1 variant allele.

Baylor Genetics
Classification: Likely pathogenic for Congenital myasthenic syndrome 4B. Last evaluated: 2019-08-19. Review status: criteria provided, single submitter. Criteria: ACMG Guidelines, 2015. Collection method: clinical testing. Allele origin: unknown. Affected: yes.
Comment: This variant was determined to be likely pathogenic according to ACMG Guidelines, 2015 [PMID:25741868].

Baylor Genetics
Classification: Likely pathogenic for Congenital myasthenic syndrome 4C. Review status: criteria provided, single submitter. Criteria: ACMG Guidelines, 2015. Collection method: clinical testing. Allele origin: germline.

OMIM
Classification: Pathogenic for MYASTHENIC SYNDROME, CONGENITAL, 4B, FAST-CHANNEL. Last evaluated: 1996-07-01. Review status: no assertion criteria provided. Collection method: literature only. Allele origin: germline. Not counted in ClinVar's aggregate classification.

Literature cited by the submitters: PubMed 34426522 (cited by Department of Molecular Genetics, Istishari Arab Hospital); PubMed 8755487 (cited by 5 submitters); PubMed 36891870 (cited by Department of Molecular Genetics, Istishari Arab Hospital and Natera, Inc.).

NM_000080.4(CHRNE):c.37G>A (p.Gly13Arg)

Genes: C17orf107 (chromosome 17 open reading frame 107; plus strand), CHRNE (cholinergic receptor nicotinic epsilon subunit; minus strand). Cytogenetic location: 17p13.2.
Variant type: single nucleotide variant.
Coding change: c.37G>A on transcript NM_000080.4 (MANE Select); coding-DNA position 37, G replaced by A.
Protein change: p.Gly13Arg; replaces glycine 13 with arginine.
Molecular consequence: missense variant.
Genome position (GRCh38, 1-based): chr17:4,903,027, C>T on the plus strand (G>A on the coding strand, the complement: CHRNE is on the minus strand). VCF-style: chr17-4903027-C-T. GRCh37 (hg19) VCF-style: chr17-4806322-C-T.
Other names: short protein forms G13R.
Identifiers: ClinVar variation 18359 (VCV000018359.38), dbSNP rs372635387, ClinGen allele CA128059.
Genomic context (GRCh38, chr17:4,903,027, plus strand): 5'-TCATGTCAGTATCTGTGTGTGTCCAATTGCCCCTCTAGCCCCTGTCCGTACCGAGAAGCC[C>T]CAAGAGGAGCAGGACCCCAAGCGGAGCCCTTGCCATCCTGCTGCGTGGTTCTCAGGGTTA-3'
Protein context (NP_000071.1, residues 3-23): RAPLGVLLLL[Gly13Arg]LLGRGVGKNE